The following is an entry in ClinVar:

ClinVar aggregate classification (germline): Pathogenic (1 of 4 stars; one submission).

Conditions:
Fanconi anemia complementation group O. Also called: RAD51C-Related Fanconi Anemia. Identifiers: Orphanet 84, MedGen C3150653, MONDO:0013248, OMIM 613390.

Submission:

Labcorp Genetics (formerly Invitae), Labcorp
Classification: Pathogenic for Fanconi anemia complementation group O. Last evaluated: 2022-03-27. Review status: criteria provided, single submitter. Criteria: Invitae Variant Classification Sherloc (09022015). Collection method: clinical testing. Allele origin: germline.
Comment: Algorithms developed to predict the effect of sequence changes on RNA splicing suggest that this variant may disrupt the consensus splice site. This variant has not been reported in the literature in individuals affected with RAD51C-related conditions. This variant is not present in population databases (gnomAD no frequency). This sequence change creates a premature translational stop signal (p.Leu19Cysfs*7) in the RAD51C gene. It is expected to result in an absent or disrupted protein product. Loss-of-function variants in RAD51C are known to be pathogenic (PMID: 20400964, 21990120, 24800917). For these reasons, this variant has been classified as Pathogenic.

Literature cited by the submitters: PubMed 20400964; PubMed 21990120; PubMed 24800917.

NM_058216.3(RAD51C):c.54del (p.Leu19fs)

Gene: RAD51C (RAD51 paralog C; plus strand). Cytogenetic location: 17q22.
Variant type: Deletion.
Coding change: c.54del on transcript NM_058216.3 (MANE Select); coding-DNA position 54, one base deleted (G; older notation c.54delG).
Protein change: p.Leu19fs; shifts the reading frame from leucine 19.
Molecular consequence: frameshift variant. On other transcripts: non-coding transcript variant (1).
Genome position (GRCh38, 1-based): chr17:58,692,697, G deleted. VCF-style (leftmost placement, unchanged base first): chr17-58692696-CG-C. GRCh37 (hg19) VCF-style: chr17-56770057-CG-C.
Other names: c.54del, p.Leu19fs (NM_002876.4); c.54delG, p.Leu19Cysfs (NM_058217.1); short protein forms L19fs.
Identifiers: ClinVar variation 2118311 (VCV002118311.4), dbSNP rs2509261130, ClinGen allele CA2580094324.